The following is an entry in ClinVar:

ClinVar aggregate classification (germline): Pathogenic. Review status: reviewed by expert panel (3 of 4 stars). 3 submissions from 3 submitters: Pathogenic (1). 2 of the submissions do not count toward it. Last evaluated 2016-09-08.

Conditions:
Hereditary cancer-predisposing syndrome. Also called: Tumor predisposition; Hereditary neoplastic syndrome; Hereditary Cancer Syndrome; Neoplastic Syndromes, Hereditary. Identifiers: Orphanet 140162, MedGen C0027672, MeSH D009386, MONDO:0015356.
Breast-ovarian cancer, familial, susceptibility to, 1 (BROVCA1). Also called: BRCA1 Hereditary Breast and Ovarian Cancer; OVARIAN CANCER, SUSCEPTIBILITY TO. Identifiers: Orphanet 145, MedGen C2676676, MONDO:0011450, OMIM 604370. Disease mechanism: loss of function.

Submissions (3):

Evidence-based Network for the Interpretation of Germline Mutant Alleles (ENIGMA)
Classification: Pathogenic for Breast-ovarian cancer, familial, susceptibility to, 1. Last evaluated: 2016-09-08. Review status: reviewed by expert panel. Criteria: ENIGMA BRCA1/2 Classification Criteria (2015). Collection method: curation. Allele origin: germline.
Comment: Variant allele predicted to encode a truncated non-functional protein.

Ambry Genetics
Classification: Pathogenic for Hereditary cancer-predisposing syndrome. Last evaluated: 2025-10-16. Review status: criteria provided, single submitter. Criteria: Ambry Variant Classification Scheme 2023. Collection method: clinical testing. Allele origin: germline. Not counted in ClinVar's aggregate classification.
Comment: The c.3867_3871delAAAAT pathogenic mutation, located in coding exon 9 of the BRCA1 gene, results from a deletion of 5 nucleotides at nucleotide positions 3867 to 3871, causing a translational frameshift with a predicted alternate stop codon (p.K1290Ffs*3). This variant is considered to be rare based on population cohorts in the Genome Aggregation Database (gnomAD). This alteration is expected to result in loss of function by premature protein truncation or nonsense-mediated mRNA decay. As such, this alteration is interpreted as a disease-causing mutation.

Breast Cancer Information Core (BIC) (BRCA1)
Classification: Pathogenic for Breast-ovarian cancer, familial 1. Last evaluated: 2004-11-25. Review status: no assertion criteria provided. Collection method: clinical testing. Allele origin: germline. Affected: yes. Observed: 1 variant allele. Not counted in ClinVar's aggregate classification.

NM_007294.4(BRCA1):c.3867_3871del (p.Lys1290fs)

Genes: BRCA1 (BRCA1 DNA repair associated; minus strand), LOC126862571 (BRD4-independent group 4 enhancer GRCh37_chr17:41243136-41244335; plus strand). Cytogenetic location: 17q21.31.
Variant type: Deletion.
Coding change: c.3867_3871del on transcript NM_007294.4 (MANE Select); coding-DNA positions 3867 to 3871, 5 bases deleted (AAAAT; older notation c.3867_3871delAAAAT).
Protein change: p.Lys1290fs; shifts the reading frame from lysine 1290.
Molecular consequence: frameshift variant. On other transcripts: intron variant (135).
Genome position (GRCh38, 1-based): chr17:43,091,660-43,091,664, ATTTT deleted on the plus strand (AAAAT on the coding strand, the reverse complement: BRCA1 is on the minus strand). VCF-style (leftmost placement, unchanged base first): chr17-43091659-CATTTT-C. GRCh37 (hg19) VCF-style: chr17-41243676-CATTTT-C.
Other names: 3986del5; c.3741_3745del, p.Lys1248fs (NM_001407673.1, NM_001407685.1, NM_001407686.1 and 11 more transcripts); c.3744_3748del, p.Lys1249fs (NM_001407674.1, NM_001407675.1, NM_001407676.1 and 19 more transcripts); c.3867_3871del, p.Lys1290fs (NM_001407684.1, NM_001407854.1, NM_001407858.1 and 30 more transcripts); c.3726_3730del, p.Lys1243fs (NM_001407692.1, NM_001407694.1, NM_001407695.1 and 29 more transcripts); c.3723_3727del, p.Lys1242fs (NM_001407740.1, NM_001407741.1, NM_001407742.1 and 20 more transcripts); c.3654_3658del, p.Lys1219fs (NM_001407853.1, NM_001407894.1, NM_001407895.1 and 9 more transcripts); c.3864_3868del, p.Lys1289fs (NM_001407860.1, NM_001407861.1, NM_001407587.1 and 22 more transcripts); and 42 more; short protein forms K1290fs, K1243fs, K1201fs, K1219fs, K1220fs, K1222fs, K1287fs, K1122fs.
Identifiers: ClinVar variation 125657 (VCV000125657.4), dbSNP rs80357560, ClinGen allele CA002490.